The following is an entry in ClinVar:

ClinVar aggregate classification (germline): Uncertain significance. Review status: criteria provided, multiple submitters, no conflicts (2 of 4 stars). 2 submissions from 2 submitters: Uncertain significance (2). Last evaluated 2024-11-06.

Allele frequency attached by ClinVar (database versions not stated): gnomAD 0.00001.
gnomAD v4.1: 18 of 1,537,822 alleles (0.0012%); highest among the groups gnomAD compares: Admixed American, 0.0059%; no homozygotes.

Submissions (2):

Women's Health and Genetics/Laboratory Corporation of America, LabCorp
Classification: Uncertain significance. Last evaluated: 2024-11-06. Review status: criteria provided, single submitter. Criteria: LabCorp Variant Classification Summary - May 2015. Collection method: clinical testing. Allele origin: germline.
Comment: Variant summary: CHD8 c.28G>A (p.Asp10Asn) results in a conservative amino acid change in the encoded protein sequence. Two of four in-silico tools predict a benign effect of the variant on protein function. The variant allele was found at a frequency of 4.2e-05 in 143588 control chromosomes. The available data on variant occurrences in the general population are insufficient to allow any conclusion about variant significance. To our knowledge, no occurrence of c.28G>A in individuals affected with CHD8-Related Disorders and no experimental evidence demonstrating its impact on protein function have been reported. ClinVar contains an entry for this variant (Variation ID: 2627293). Based on the evidence outlined above, the variant was classified as uncertain significance.

Labcorp Genetics (formerly Invitae), Labcorp
Classification: Uncertain significance. Last evaluated: 2024-07-31. Review status: criteria provided, single submitter. Criteria: Invitae Variant Classification Sherloc (09022015). Collection method: clinical testing. Allele origin: germline.
Comment: This sequence change replaces aspartic acid, which is acidic and polar, with asparagine, which is neutral and polar, at codon 10 of the CHD8 protein (p.Asp10Asn). This variant is present in population databases (rs767231058, gnomAD 0.01%). This variant has not been reported in the literature in individuals affected with CHD8-related conditions. ClinVar contains an entry for this variant (Variation ID: 2627293). An algorithm developed to predict the effect of missense changes on protein structure and function (PolyPhen-2) suggests that this variant is likely to be disruptive. In summary, the available evidence is currently insufficient to determine the role of this variant in disease. Therefore, it has been classified as a Variant of Uncertain Significance.

NM_001170629.2(CHD8):c.28G>A (p.Asp10Asn)

Gene: CHD8 (chromodomain helicase DNA binding protein 8; minus strand). Cytogenetic location: 14q11.2.
Variant type: single nucleotide variant.
Coding change: c.28G>A on transcript NM_001170629.2 (MANE Select); coding-DNA position 28, G replaced by A.
Protein change: p.Asp10Asn; replaces aspartic acid 10 with asparagine.
Molecular consequence: missense variant. On other transcripts: intron variant (1).
Genome position (GRCh38, 1-based): chr14:21,431,616, C>T on the plus strand (G>A on the coding strand, the complement: CHD8 is on the minus strand). VCF-style: chr14-21431616-C-T. GRCh37 (hg19) VCF-style: chr14-21899775-C-T.
Other names: c.6+195G>A (NM_020920.4); short protein forms D10N.
Identifiers: ClinVar variation 2627293 (VCV002627293.5), dbSNP rs767231058, ClinGen allele CA257558747.